The following is an entry in ClinVar:

ClinVar aggregate classification (germline): Uncertain significance (1 of 4 stars; one submission).

Conditions:
STING-associated vasculopathy with onset in infancy. Also called: Sting-associated vasculopathy, infantile-onset. Identifiers: Orphanet 425120, MedGen C4014722, MONDO:0014405, OMIM 615934.

Allele frequency attached by ClinVar (database versions not stated): gnomAD exomes 0.00001; TOPMed 0.00001; ExAC 0.00001; gnomAD 0.00001.
gnomAD v4.1: 12 of 1,612,300 alleles (0.00074%); highest among the groups gnomAD compares: South Asian, 0.0033%; no homozygotes.

Submission:

Labcorp Genetics (formerly Invitae), Labcorp
Classification: Uncertain significance for STING-associated vasculopathy with onset in infancy. Last evaluated: 2024-10-24. Review status: criteria provided, single submitter. Criteria: Invitae Variant Classification Sherloc (09022015). Collection method: clinical testing. Allele origin: germline.
Comment: This sequence change replaces arginine, which is basic and polar, with cysteine, which is neutral and slightly polar, at codon 94 of the TMEM173 protein (p.Arg94Cys). The frequency data for this variant in the population databases is considered unreliable, as metrics indicate poor data quality at this position in the gnomAD database. This variant has not been reported in the literature in individuals affected with TMEM173-related conditions. Invitae Evidence Modeling of protein sequence and biophysical properties (such as structural, functional, and spatial information, amino acid conservation, physicochemical variation, residue mobility, and thermodynamic stability) indicates that this missense variant is expected to disrupt TMEM173 protein function with a positive predictive value of 80%. In summary, the available evidence is currently insufficient to determine the role of this variant in disease. Therefore, it has been classified as a Variant of Uncertain Significance.

NM_198282.4(STING1):c.280C>T (p.Arg94Cys)

Genes: STING1 (stimulator of interferon response cGAMP interactor 1; minus strand), LOC123522803 (Sharpr-MPRA regulatory region 11914; plus strand). Cytogenetic location: 5q31.2.
Variant type: single nucleotide variant.
Coding change: c.280C>T on transcript NM_198282.4 (MANE Select); coding-DNA position 280, C replaced by T.
Protein change: p.Arg94Cys; replaces arginine 94 with cysteine.
Molecular consequence: missense variant. On other transcripts: 5 prime UTR variant (1).
Genome position (GRCh38, 1-based): chr5:139,481,290, G>A on the plus strand (C>T on the coding strand, the complement: STING1 is on the minus strand). VCF-style: chr5-139481290-G-A. GRCh37 (hg19) VCF-style: chr5-138860875-G-A.
Other names: c.280C>T, p.Arg94Cys (NM_001301738.2); c.-78C>T (NM_001367258.1); short protein forms R94C.
Identifiers: ClinVar variation 2982203 (VCV002982203.3), dbSNP rs752269574, ClinGen allele CA3435455.